The following is an entry in ClinVar:

ClinVar aggregate classification (germline): Uncertain significance (1 of 4 stars; one submission).

Conditions:
Chédiak-Higashi syndrome (CHS). Also called: Chediak-Higashi Syndrome. Identifiers: Orphanet 167, MedGen C0007965, MONDO:0008963, OMIM 214500.

Allele frequency attached by ClinVar (database versions not stated): gnomAD 0.00001; ExAC 0.00002; gnomAD exomes 0.00003.
gnomAD v4.1: 22 of 1,614,142 alleles (0.0014%); highest among the groups gnomAD compares: South Asian, 0.024%; no homozygotes.

Submission:

Labcorp Genetics (formerly Invitae), Labcorp
Classification: Uncertain significance for Chédiak-Higashi syndrome. Last evaluated: 2023-07-10. Review status: criteria provided, single submitter. Criteria: Invitae Variant Classification Sherloc (09022015). Collection method: clinical testing. Allele origin: germline.
Comment: In summary, the available evidence is currently insufficient to determine the role of this variant in disease. Therefore, it has been classified as a Variant of Uncertain Significance. Advanced modeling of protein sequence and biophysical properties (such as structural, functional, and spatial information, amino acid conservation, physicochemical variation, residue mobility, and thermodynamic stability) performed at Invitae indicates that this missense variant is expected to disrupt LYST protein function. ClinVar contains an entry for this variant (Variation ID: 1055050). This variant has not been reported in the literature in individuals affected with LYST-related conditions. This variant is present in population databases (rs760651217, gnomAD 0.02%). This sequence change replaces cysteine, which is neutral and slightly polar, with tyrosine, which is neutral and polar, at codon 3706 of the LYST protein (p.Cys3706Tyr).

NM_000081.4(LYST):c.11117G>A (p.Cys3706Tyr)

Gene: LYST (lysosomal trafficking regulator; minus strand). Cytogenetic location: 1q42.3.
Variant type: single nucleotide variant.
Coding change: c.11117G>A on transcript NM_000081.4 (MANE Select); coding-DNA position 11117, G replaced by A.
Protein change: p.Cys3706Tyr; replaces cysteine 3706 with tyrosine.
Molecular consequence: missense variant.
Genome position (GRCh38, 1-based): chr1:235,664,543, C>T on the plus strand (G>A on the coding strand, the complement: LYST is on the minus strand). VCF-style: chr1-235664543-C-T. GRCh37 (hg19) VCF-style: chr1-235827843-C-T.
Other names: c.11117G>A, p.Cys3706Tyr (NM_001301365.1); short protein forms C3706Y.
Identifiers: ClinVar variation 1055050 (VCV001055050.3), dbSNP rs760651217, ClinGen allele CA1465208.
Genomic context (GRCh38, chr1:235,664,543, plus strand): 5'-AATCCCCCAGCGATTACATTGATAGATACTCCCTCAGGCTGGTTGGAGAAAGCCACGGAA[C>T]AGATGATCTCCCTGCAGTGGACATGTCCAACGAGATCCCCGTTCACCGTCCAGAGTCTGA-3'
Protein context (NP_000072.2, residues 3696-3716): VGHVHCREII[Cys3706Tyr]SVAFSNQPEG